The following is an entry in ClinVar:

ClinVar aggregate classification (germline): Uncertain significance. Review status: criteria provided, multiple submitters, no conflicts (2 of 4 stars). 2 submissions from 2 submitters: Uncertain significance (2). Last evaluated 2023-05-01.

Conditions:
Cardiovascular phenotype. Identifiers: MedGen CN230736.

gnomAD v4.1: 2 of 994,254 alleles (0.0002%); highest among the groups gnomAD compares: Non-Finnish European, 0.00024%; no homozygotes.

Submissions (2):

CeGaT Center for Human Genetics Tuebingen
Classification: Uncertain significance. Last evaluated: 2023-05-01. Review status: criteria provided, single submitter. Criteria: CeGaT Center For Human Genetics Tuebingen Variant Classification Criteria Version 2. Collection method: clinical testing. Allele origin: germline. Affected: yes. Observed: 1 variant allele.
Comment: TBX1: PM2, PP2

Ambry Genetics
Classification: Uncertain significance for Cardiovascular phenotype. Last evaluated: 2023-04-13. Review status: criteria provided, single submitter. Criteria: Ambry Variant Classification Scheme 2023. Collection method: clinical testing. Allele origin: germline.
Comment: The p.A30S variant (also known as c.88G>T), located in coding exon 2 of the TBX1 gene, results from a G to T substitution at nucleotide position 88. The alanine at codon 30 is replaced by serine, an amino acid with similar properties. This amino acid position is conserved. In addition, this alteration is predicted to be tolerated by in silico analysis. Since supporting evidence is limited at this time, the clinical significance of this alteration remains unclear.

NM_001379200.1(TBX1):c.115G>T (p.Ala39Ser)

Gene: TBX1 (T-box transcription factor 1; plus strand). Cytogenetic location: 22q11.21.
Variant type: single nucleotide variant.
Coding change: c.115G>T on transcript NM_001379200.1 (MANE Select); coding-DNA position 115, G replaced by T.
Protein change: p.Ala39Ser; replaces alanine 39 with serine.
Molecular consequence: missense variant.
Genome position (GRCh38, 1-based): chr22:19,760,958, G>T. VCF-style: chr22-19760958-G-T. GRCh37 (hg19) VCF-style: chr22-19748481-G-T.
Other names: c.88G>T, p.Ala30Ser (NM_005992.1, NM_080646.2, NM_080647.1); short protein forms A39S, A30S.
Identifiers: ClinVar variation 2562907 (VCV002562907.26), dbSNP rs1461099560, ClinGen allele CA410681183.
Genomic context (GRCh38, chr22:19,760,958, plus strand): 5'-GTTGCAGCCTTCACGGCCAGCAGCCTGAGCAGCCTGGGGGCCGCGGGGGGCTTCCCGGGC[G>T]CCGCGTCGCCCGGCGCCGACCCGTACGGCCCGCGCGAGCCCCCGCCGCCGCCGCCGCGCT-3'
Protein context (NP_001366129.1, residues 29-49): SLGAAGGFPG[Ala39Ser]ASPGADPYGP